The following is an entry in ClinVar:

NM_006939.4(SOS2):c.172A>G (p.Lys58Glu)

Gene: SOS2 (SOS Ras/Rho guanine nucleotide exchange factor 2; minus strand). Cytogenetic location: 14q21.3.
Variant type: single nucleotide variant.
Coding change: c.172A>G on transcript NM_006939.4 (MANE Select); coding-DNA position 172, A replaced by G.
Protein change: p.Lys58Glu; replaces lysine 58 with glutamic acid.
Molecular consequence: missense variant.
Genome position (GRCh38, 1-based): chr14:50,204,325, T>C on the plus strand (A>G on the coding strand, the complement: SOS2 is on the minus strand). VCF-style: chr14-50204325-T-C. GRCh37 (hg19) VCF-style: chr14-50671043-T-C.
Other names: short protein forms K58E.
Identifiers: ClinVar variation 1347417 (VCV001347417.6), dbSNP rs2139796115, ClinGen allele CA389651150.

ClinVar aggregate classification (germline): Uncertain significance (1 of 4 stars; one submission).

Conditions:
Noonan syndrome 9 (NS9). Identifiers: Orphanet 648, MedGen C4225282, MONDO:0014691, OMIM 616559.

Submission:

Labcorp Genetics (formerly Invitae), Labcorp
Classification: Uncertain significance for Noonan syndrome 9. Last evaluated: 2021-08-19. Review status: criteria provided, single submitter. Criteria: Invitae Variant Classification Sherloc (09022015). Collection method: clinical testing. Allele origin: germline.
Comment: This sequence change replaces lysine with glutamic acid at codon 58 of the SOS2 protein (p.Lys58Glu). The lysine residue is moderately conserved and there is a small physicochemical difference between lysine and glutamic acid. This variant is not present in population databases (ExAC no frequency). This variant has not been reported in the literature in individuals affected with SOS2-related conditions. Algorithms developed to predict the effect of missense changes on protein structure and function (SIFT, PolyPhen-2, Align-GVGD) all suggest that this variant is likely to be tolerated. In summary, the available evidence is currently insufficient to determine the role of this variant in disease. Therefore, it has been classified as a Variant of Uncertain Significance.